The following is an entry in ClinVar:

NM_201384.3(PLEC):c.4556C>T (p.Ser1519Leu)

Gene: PLEC (plectin; minus strand). Cytogenetic location: 8q24.3.
Variant type: single nucleotide variant.
Coding change: c.4556C>T on transcript NM_201384.3 (MANE Select); coding-DNA position 4556, C replaced by T.
Protein change: p.Ser1519Leu; replaces serine 1519 with leucine.
Molecular consequence: missense variant.
Genome position (GRCh38, 1-based): chr8:143,925,373, G>A on the plus strand (C>T on the coding strand, the complement: PLEC is on the minus strand). VCF-style: chr8-143925373-G-A. GRCh37 (hg19) VCF-style: chr8-144999541-G-A.
Other names: c.4637C>T, p.Ser1546Leu (NM_000445.5); c.4514C>T, p.Ser1505Leu (NM_201378.4); c.4490C>T, p.Ser1497Leu (NM_201379.3); c.4967C>T, p.Ser1656Leu (NM_201380.4); c.4460C>T, p.Ser1487Leu (NM_201381.3); c.4556C>T, p.Ser1519Leu (NM_201382.4); c.4568C>T, p.Ser1523Leu (NM_201383.3); short protein forms S1487L, S1497L, S1505L, S1519L, S1523L, S1546L, S1656L.
Identifiers: ClinVar variation 93053 (VCV000093053.61), dbSNP rs182120395, ClinGen allele CA220883.

ClinVar aggregate classification (germline): Conflicting classifications of pathogenicity. Review status: criteria provided, conflicting classifications (1 of 4 stars). 10 submissions from 10 submitters: Uncertain significance (1); Benign (3); Likely benign (3). 3 of the submissions do not count toward it. Last evaluated 2026-02-01.

Conditions:
PLEC-related disorder. Also called: PLEC-related disorders; PLEC-related condition.
Epidermolysis bullosa simplex with nail dystrophy (EBS5D). Identifiers: MedGen C4225309, MONDO:0014661, OMIM 616487.
Epidermolysis bullosa simplex 5C, with pyloric atresia (EBS5C). Also called: PLEC-Related Epidermolysis Bullosa with Pyloric Atresia; Epidermolysis bullosa simplex with pyloric atresia; PLEC1-Related Epidermolysis Bullosa with Pyloric Atresia. Identifiers: Orphanet 158684, MedGen C2677349, MONDO:0012807, OMIM 612138.
Epidermolysis bullosa simplex 5B, with muscular dystrophy (EBS5B). Also called: EPIDERMOLYSIS BULLOSA SIMPLEX AND LIMB-GIRDLE MUSCULAR DYSTROPHY; Epidermolysis bullosa simplex with muscular dystrophy. Identifiers: Orphanet 257, MedGen C2931072, MONDO:0009181, OMIM 226670.
Autosomal recessive limb-girdle muscular dystrophy type 2Q (LGMDR17). Also called: MUSCULAR DYSTROPHY, LIMB-GIRDLE, AUTOSOMAL RECESSIVE 17. Identifiers: Orphanet 254361, MedGen C3150989, MONDO:0013390, OMIM 613723.
Epidermolysis bullosa simplex, Ogna type (EBS5A). Also called: Pidermolysis bullosa simplex 5A, Ogna type; EPIDERMOLYSIS BULLOSA SIMPLEX 5A, OGNA TYPE. Identifiers: Orphanet 79401, MedGen C0432317, MONDO:0007555, OMIM 131950.

Allele frequency attached by ClinVar (database versions not stated): TOPMed 0.00071; 1000 Genomes Project 30x 0.00016; gnomAD 0.00112; 1000 Genomes Project 0.00020; ExAC 0.00174.
gnomAD v4.1: 2,037 of 1,566,678 alleles (0.13%); highest among the groups gnomAD compares: Non-Finnish European, 0.15%; 1 homozygote.

Submissions (10):

Labcorp Genetics (formerly Invitae), Labcorp
Classification: Benign for Autosomal recessive limb-girdle muscular dystrophy type 2Q; Epidermolysis bullosa simplex, Ogna type; Epidermolysis bullosa simplex with nail dystrophy; Epidermolysis bullosa simplex 5C, with pyloric atresia; Epidermolysis bullosa simplex 5B, with muscular dystrophy. Last evaluated: 2026-02-01. Review status: criteria provided, single submitter. Criteria: Invitae Variant Classification Sherloc (09022015). Collection method: clinical testing. Allele origin: germline.

Blueprint Genetics
Classification: Likely benign. Last evaluated: 2024-10-21. Review status: criteria provided, single submitter. Criteria: ACMG Guidelines, 2015. Collection method: clinical testing. Allele origin: germline.

Women's Health and Genetics/Laboratory Corporation of America, LabCorp
Classification: Likely benign. Last evaluated: 2024-01-04. Review status: criteria provided, single submitter. Criteria: LabCorp Variant Classification Summary - May 2015. Collection method: clinical testing. Allele origin: germline.
Comment: Variant summary: PLEC1 c.4637C>T (p.Ser1546Leu) results in a non-conservative amino acid change in the encoded protein sequence. Four of five in-silico tools predict a benign effect of the variant on protein function. The variant allele was found at a frequency of 0.0013 in 1566678 control chromosomes, predominantly at a frequency of 0.0015 within the Non-Finnish European subpopulation, including 1 homozygotes, and a frequency of 0.0037 in the Finnish European population in the gnomAD database (v 4.0.0). To our knowledge, no occurrence of c.4637C>T in individuals affected with PLEC1-Related Disorders and no experimental evidence demonstrating its impact on protein function have been reported. Five submitters have cited clinical-significance assessments for this variant to ClinVar after 2014 and classified as benign/likely benign (n=4) and VUS (n=1). Based on the evidence outlined above, the variant was classified as likely benign.

GeneDx
Classification: Likely benign. Last evaluated: 2019-12-10. Review status: criteria provided, single submitter. Criteria: GeneDx Variant Classification Process June 2021. Collection method: clinical testing. Allele origin: germline. Affected: yes.

Athena Diagnostics
Classification: Benign. Last evaluated: 2019-07-24. Review status: criteria provided, single submitter. Criteria: Athena Diagnostics Criteria. Collection method: clinical testing. Allele origin: germline.

CeGaT Center for Human Genetics Tuebingen
Classification: Uncertain significance. Last evaluated: 2019-04-01. Review status: criteria provided, single submitter. Criteria: CeGaT Center For Human Genetics Tuebingen Variant Classification Criteria Version 2. Collection method: clinical testing. Allele origin: germline. Affected: yes. Observed: 1 variant allele.

Eurofins Ntd Llc (ga)
Classification: Benign. Last evaluated: 2015-08-18. Review status: criteria provided, single submitter. Criteria: EGL Classification Definitions 2015. Collection method: clinical testing. Allele origin: germline. Observed: 2 variant alleles, 2 heterozygotes.

PreventionGenetics, part of Exact Sciences
Classification: Likely benign for PLEC-related condition. Last evaluated: 2024-08-19. Review status: no assertion criteria provided. Collection method: clinical testing. Allele origin: germline. Not counted in ClinVar's aggregate classification.
Comment: This variant is classified as likely benign based on ACMG/AMP sequence variant interpretation guidelines (Richards et al. 2015 PMID: 25741868, with internal and published modifications).

Clinical Genetics DNA and cytogenetics Diagnostics Lab, Erasmus MC, Erasmus Medical Center
Classification: Likely benign. Review status: no assertion criteria provided. Collection method: clinical testing. Allele origin: germline. Affected: yes. Study: VKGL Data-share Consensus. Not counted in ClinVar's aggregate classification.

Laboratory of Diagnostic Genome Analysis, Leiden University Medical Center (LUMC)
Classification: Likely benign. Review status: no assertion criteria provided. Collection method: clinical testing. Allele origin: germline. Affected: yes. Study: VKGL Data-share Consensus. Not counted in ClinVar's aggregate classification.